The following is an entry in ClinVar:

ClinVar aggregate classification (germline): Uncertain significance (1 of 4 stars; one submission).

Conditions:
Hereditary cancer-predisposing syndrome. Also called: Hereditary Cancer Syndrome; Tumor predisposition; Hereditary neoplastic syndrome; Neoplastic Syndromes, Hereditary. Identifiers: Orphanet 140162, MedGen C0027672, MeSH D009386, MONDO:0015356.

Submission:

Labcorp Genetics (formerly Invitae), Labcorp
Classification: Uncertain significance for Hereditary cancer-predisposing syndrome. Last evaluated: 2022-11-22. Review status: criteria provided, single submitter. Criteria: Invitae Variant Classification Sherloc (09022015). Collection method: clinical testing. Allele origin: germline.
Comment: In summary, the available evidence is currently insufficient to determine the role of this variant in disease. Therefore, it has been classified as a Variant of Uncertain Significance. Advanced modeling of protein sequence and biophysical properties (such as structural, functional, and spatial information, amino acid conservation, physicochemical variation, residue mobility, and thermodynamic stability) performed at Invitae indicates that this missense variant is not expected to disrupt RAD50 protein function. ClinVar contains an entry for this variant (Variation ID: 1054009). This variant has not been reported in the literature in individuals affected with RAD50-related conditions. This variant is not present in population databases (gnomAD no frequency). This sequence change replaces tyrosine, which is neutral and polar, with histidine, which is basic and polar, at codon 462 of the RAD50 protein (p.Tyr462His).

NM_005732.4(RAD50):c.1384T>C (p.Tyr462His)

Gene: RAD50 (RAD50 double strand break repair protein; plus strand). Cytogenetic location: 5q31.1.
Variant type: single nucleotide variant.
Coding change: c.1384T>C on transcript NM_005732.4 (MANE Select); coding-DNA position 1384, T replaced by C.
Protein change: p.Tyr462His; replaces tyrosine 462 with histidine.
Molecular consequence: missense variant.
Genome position (GRCh38, 1-based): chr5:132,589,769, T>C. VCF-style: chr5-132589769-T-C. GRCh37 (hg19) VCF-style: chr5-131925461-T-C.
Other names: short protein forms Y462H.
Identifiers: ClinVar variation 1054009 (VCV001054009.9), dbSNP rs2149841538, ClinGen allele CA360944483.